The following is an entry in ClinVar:

ClinVar aggregate classification (germline): Uncertain significance (1 of 4 stars; one submission).

Allele frequency attached by ClinVar (database versions not stated): gnomAD 0.00001; TOPMed 0.00001; ExAC 0.00002.
gnomAD v4.1: 14 of 1,613,702 alleles (0.00087%); highest among the groups gnomAD compares: Admixed American, 0.0033%; no homozygotes.

Submission:

Labcorp Genetics (formerly Invitae), Labcorp
Classification: Uncertain significance. Last evaluated: 2024-03-28. Review status: criteria provided, single submitter. Criteria: Invitae Variant Classification Sherloc (09022015). Collection method: clinical testing. Allele origin: germline.
Comment: This sequence change replaces arginine, which is basic and polar, with glutamine, which is neutral and polar, at codon 114 of the POLR1A protein (p.Arg114Gln). This variant is present in population databases (rs754892320, gnomAD 0.006%). This variant has not been reported in the literature in individuals affected with POLR1A-related conditions. Advanced modeling of protein sequence and biophysical properties (such as structural, functional, and spatial information, amino acid conservation, physicochemical variation, residue mobility, and thermodynamic stability) performed at Invitae indicates that this missense variant is expected to disrupt POLR1A protein function with a positive predictive value of 80%. In summary, the available evidence is currently insufficient to determine the role of this variant in disease. Therefore, it has been classified as a Variant of Uncertain Significance.

NM_015425.6(POLR1A):c.341G>A (p.Arg114Gln)

Gene: POLR1A (RNA polymerase I subunit A; minus strand). Cytogenetic location: 2p11.2.
Variant type: single nucleotide variant.
Coding change: c.341G>A on transcript NM_015425.6 (MANE Select); coding-DNA position 341, G replaced by A.
Protein change: p.Arg114Gln; replaces arginine 114 with glutamine.
Molecular consequence: missense variant.
Genome position (GRCh38, 1-based): chr2:86,098,702, C>T on the plus strand (G>A on the coding strand, the complement: POLR1A is on the minus strand). VCF-style: chr2-86098702-C-T. GRCh37 (hg19) VCF-style: chr2-86325825-C-T.
Other names: short protein forms R114Q.
Identifiers: ClinVar variation 3007332 (VCV003007332.3), dbSNP rs754892320, ClinGen allele CA1746688.